The following is an entry in ClinVar:

ClinVar aggregate classification (germline): Uncertain significance (1 of 4 stars; one submission).

Conditions:
Fanconi anemia (FA). Also called: Fanconi's anemia. Identifiers: Orphanet 84, MedGen C0015625, MeSH D005199, MONDO:0019391.

gnomAD v4.1: 19 of 1,613,926 alleles (0.0012%); highest among the groups gnomAD compares: South Asian, 0.014%; no homozygotes.

Submission:

Labcorp Genetics (formerly Invitae), Labcorp
Classification: Uncertain significance for Fanconi anemia. Last evaluated: 2022-08-09. Review status: criteria provided, single submitter. Criteria: Invitae Variant Classification Sherloc (09022015). Collection method: clinical testing. Allele origin: germline.
Comment: This sequence change replaces valine, which is neutral and non-polar, with methionine, which is neutral and non-polar, at codon 1432 of the FANCA protein (p.Val1432Met). This variant is present in population databases (rs769243354, gnomAD 0.006%). This variant has not been reported in the literature in individuals affected with FANCA-related conditions. Advanced modeling of protein sequence and biophysical properties (such as structural, functional, and spatial information, amino acid conservation, physicochemical variation, residue mobility, and thermodynamic stability) performed at Invitae indicates that this missense variant is not expected to disrupt FANCA protein function. In summary, the available evidence is currently insufficient to determine the role of this variant in disease. Therefore, it has been classified as a Variant of Uncertain Significance.

NM_000135.4(FANCA):c.4294G>A (p.Val1432Met)

Genes: FANCA (FA complementation group A; minus strand), ZNF276 (zinc finger protein 276; plus strand). Cytogenetic location: 16q24.3.
Variant type: single nucleotide variant.
Coding change: c.4294G>A on transcript NM_000135.4 (MANE Select); coding-DNA position 4294, G replaced by A.
Protein change: p.Val1432Met; replaces valine 1432 with methionine.
Molecular consequence: missense variant. On other transcripts: 3 prime UTR variant (3), non-coding transcript variant (4).
Genome position (GRCh38, 1-based): chr16:89,738,675, C>T on the plus strand (G>A on the coding strand, the complement: FANCA is on the minus strand). VCF-style: chr16-89738675-C-T. GRCh37 (hg19) VCF-style: chr16-89805083-C-T.
Other names: c.*23G>A (NM_001286167.3); c.*429C>T (NM_001113525.2, NM_152287.4); short protein forms V1432M.
Identifiers: ClinVar variation 1900811 (VCV001900811.2), dbSNP rs769243354, ClinGen allele CA8250588.
Genomic context (GRCh38, chr16:89,738,675, plus strand): 5'-GCTCCTGGGACAGGTCAGCGTCAGGGGCAGCCTGCTGTCTGCTCTGGAGGGCGGCGCTCA[C>T]CTCTGGGTCGCAGTCCCCACGATCAGCCAGCAGCTGTGAGAGAGGAGCAGGTCCTCAGCC-3'
Protein context (NP_000126.2, residues 1422-1442): LADRGDCDPE[Val1432Met]SAALQSRQQA